The following is an entry in ClinVar:

NM_001077365.2(POMT1):c.184G>A (p.Asp62Asn)

Gene: POMT1 (protein O-mannosyltransferase 1; plus strand). Cytogenetic location: 9q34.13.
Variant type: single nucleotide variant.
Coding change: c.184G>A on transcript NM_001077365.2 (MANE Select); coding-DNA position 184, G replaced by A.
Protein change: p.Asp62Asn; replaces aspartic acid 62 with asparagine.
Molecular consequence: missense variant. On other transcripts: non-coding transcript variant (7), intron variant (8).
Genome position (GRCh38, 1-based): chr9:131,506,175, G>A. VCF-style: chr9-131506175-G-A. GRCh37 (hg19) VCF-style: chr9-134381562-G-A.
Other names: c.22G>A, p.Asp8Asn (NM_001077366.2, NM_001353194.2, NM_001353197.2 and 3 more transcripts); c.184G>A, p.Asp62Asn (NM_001136113.2, NM_001353193.2, NM_001374690.1 and 1 more transcripts); c.-71-1193G>A (NM_001374691.1, NM_001374692.1); c.123-228G>A (NM_001353196.2); c.-122-228G>A (NM_001353195.2, NM_001353199.2, NM_001136114.2); c.-30+1835G>A (NM_001374695.1); c.-80-228G>A (NM_001353200.2); short protein forms D62N, D8N.
Identifiers: ClinVar variation 1329741 (VCV001329741.2), dbSNP rs1945770663, ClinGen allele CA375305672.

ClinVar aggregate classification (germline): Uncertain significance (1 of 4 stars; one submission).

Allele frequency attached by ClinVar (database versions not stated): gnomAD 0.00001.
gnomAD v4.1: 1 of 1,614,012 alleles (0.000062%); highest among the groups gnomAD compares: African/African-American, 0.0013%; no homozygotes.

Submission:

GeneDx
Classification: Uncertain significance. Last evaluated: 2021-06-21. Review status: criteria provided, single submitter. Criteria: GeneDx Variant Classification Process June 2021. Collection method: clinical testing. Allele origin: germline. Affected: yes.
Comment: Not observed at significant frequency in large population cohorts (Lek et al., 2016); In silico analysis supports that this missense variant does not alter protein structure/function; Has not been previously published as pathogenic or benign to our knowledge; This variant is associated with the following publications: (PMID: 27535533)